The following is an entry in ClinVar:

ClinVar aggregate classification (germline): Uncertain significance (1 of 4 stars; one submission).

Conditions:
Joubert syndrome 21 (JBTS21). Identifiers: MedGen C3810212, MONDO:0014288, OMIM 615636.

Submission:

Labcorp Genetics (formerly Invitae), Labcorp
Classification: Uncertain significance for Joubert syndrome 21. Last evaluated: 2024-02-24. Review status: criteria provided, single submitter. Criteria: Invitae Variant Classification Sherloc (09022015). Collection method: clinical testing. Allele origin: germline.
Comment: This sequence change replaces serine, which is neutral and polar, with asparagine, which is neutral and polar, at codon 549 of the CSPP1 protein (p.Ser549Asn). This variant is not present in population databases (gnomAD no frequency). This variant has not been reported in the literature in individuals affected with CSPP1-related conditions. ClinVar contains an entry for this variant (Variation ID: 1421816). Algorithms developed to predict the effect of missense changes on protein structure and function output the following: SIFT: "Not Available"; PolyPhen-2: "Benign"; Align-GVGD: "Not Available". The asparagine amino acid residue is found in multiple mammalian species, which suggests that this missense change does not adversely affect protein function. In summary, the available evidence is currently insufficient to determine the role of this variant in disease. Therefore, it has been classified as a Variant of Uncertain Significance.

NM_001382391.1(CSPP1):c.1661G>A (p.Ser554Asn)

Gene: CSPP1 (centrosome and spindle pole associated protein 1; plus strand). Cytogenetic location: 8q13.2.
Variant type: single nucleotide variant.
Coding change: c.1661G>A on transcript NM_001382391.1 (MANE Select); coding-DNA position 1661, G replaced by A.
Protein change: p.Ser554Asn; replaces serine 554 with asparagine.
Molecular consequence: missense variant.
Genome position (GRCh38, 1-based): chr8:67,118,785, G>A. VCF-style: chr8-67118785-G-A. GRCh37 (hg19) VCF-style: chr8-68031020-G-A.
Other names: c.764G>A, p.Ser255Asn (NM_001291339.2); c.1580G>A, p.Ser527Asn (NM_001363131.2); c.1619G>A, p.Ser540Asn (NM_001363132.2); c.1538G>A, p.Ser513Asn (NM_001363133.2); c.1727G>A, p.Ser576Asn (NM_001364869.1); c.1547G>A, p.Ser516Asn (NM_001364870.1); c.1646G>A, p.Ser549Asn (NM_024790.7); short protein forms S513N, S527N, S540N, S255N, S549N, S516N, S554N, S576N.
Identifiers: ClinVar variation 1421816 (VCV001421816.7), dbSNP rs2129551469, ClinGen allele CA371201198.
Genomic context (GRCh38, chr8:67,118,785, plus strand): 5'-TTTTGTTTTTTCTTTAAGATGGTTCAGGAATGATGGGCGTACAGCCTGCAGCTTATGTTA[G>A]TGCTCCTGTCACCCACCAACTAGCACAACCTGTTGTGTAAGTTATTAGTTAAAAGAATAA-3'
Protein context (NP_001369320.1, residues 544-564): MMGVQPAAYV[Ser554Asn]APVTHQLAQP